The following is an entry in ClinVar:

ClinVar aggregate classification (germline): Uncertain significance. Review status: criteria provided, multiple submitters, no conflicts (2 of 4 stars). 2 submissions from 2 submitters: Uncertain significance (2). Last evaluated 2026-09-01.

Submissions (2):

CeGaT Center for Human Genetics Tuebingen
Classification: Uncertain significance. Last evaluated: 2026-09-01. Review status: criteria provided, single submitter. Criteria: CeGaT Center For Human Genetics Tuebingen Variant Classification Criteria Version 2. Collection method: clinical testing. Allele origin: germline. Affected: yes. Observed: 1 variant allele.
Comment: HSPG2: PM2, PM3:Supporting, PP4

Dasa
Classification: Uncertain significance. Last evaluated: 2025-08-02. Review status: criteria provided, single submitter. Criteria: DASA Assertion Criteria. Collection method: clinical testing. Allele origin: germline.
Comment: NM_005529.7(HSPG2):c.4480C>T (p.Arg1494Trp) is a missense variant that results in the substitution of arginine with tryptophan. This variant is rare in population databases. The currently available literature and clinical evidence are not sufficient to establish a definitive association between this variant and the reported condition. Therefore, this variant is classified as a variant of uncertain significance.

NM_005529.7(HSPG2):c.4480C>T (p.Arg1494Trp)

Gene: HSPG2 (heparan sulfate proteoglycan 2; minus strand). Cytogenetic location: 1p36.12.
Variant type: single nucleotide variant.
Coding change: c.4480C>T on transcript NM_005529.7 (MANE Select); coding-DNA position 4480, C replaced by T.
Protein change: p.Arg1494Trp; replaces arginine 1494 with tryptophan.
Molecular consequence: missense variant.
Genome position (GRCh38, 1-based): chr1:21,864,989, G>A on the plus strand (C>T on the coding strand, the complement: HSPG2 is on the minus strand). VCF-style: chr1-21864989-G-A. GRCh37 (hg19) VCF-style: chr1-22191482-G-A.
Other names: c.4483C>T, p.Arg1495Trp (NM_001291860.2); short protein forms R1494W, R1495W.
Identifiers: ClinVar variation 4885169 (VCV004885169.3).